The following is an entry in ClinVar:

NM_001363711.2(DUOX2):c.1149_1155del (p.Ser383fs)

Gene: DUOX2 (dual oxidase 2; minus strand). Cytogenetic location: 15q21.1.
Variant type: Deletion.
Coding change: c.1149_1155del on transcript NM_001363711.2 (MANE Select); coding-DNA positions 1149 to 1155, 7 bases deleted (TACCCAG; older notation c.1149_1155delTACCCAG).
Protein change: p.Ser383fs; shifts the reading frame from serine 383.
Molecular consequence: frameshift variant.
Genome position (GRCh38, 1-based): chr15:45,109,603-45,109,609, CTGGGTA deleted on the plus strand (TACCCAG on the coding strand, the reverse complement: DUOX2 is on the minus strand); deleting any 7 consecutive bases within chr15:45,109,603-45,109,612 gives the same sequence; the c. name uses the placement nearest the transcript's 3' end. VCF-style (leftmost placement, unchanged base first): chr15-45109602-CCTGGGTA-C. GRCh37 (hg19) VCF-style: chr15-45401800-CCTGGGTA-C.
Other names: c.1149_1155del, p.Ser383fs (NM_014080.5); short protein forms S383fs.
Identifiers: ClinVar variation 2706288 (VCV002706288.3), dbSNP rs2504777646, ClinGen allele CA2697549018.
Genomic context (GRCh38, chr15:45,109,602, plus strand): 5'-CTATGTTGTCCTCCAACTCCGAAATCTGGGAGGCCATTCCCAGCAGCAGCTCATTCACCT[CCTGGGTA>C]CTGTTCAGATTGGGGTTCTGGAAGTAAACAATGCACTCAAGATAGGCCTCTACCCAAAAC-3'

ClinVar aggregate classification (germline): Pathogenic (1 of 4 stars; one submission).

Submission:

Labcorp Genetics (formerly Invitae), Labcorp
Classification: Pathogenic. Last evaluated: 2023-12-29. Review status: criteria provided, single submitter. Criteria: Invitae Variant Classification Sherloc (09022015). Collection method: clinical testing. Allele origin: germline.
Comment: This sequence change creates a premature translational stop signal (p.Ser383Argfs*3) in the DUOX2 gene. It is expected to result in an absent or disrupted protein product. Loss-of-function variants in DUOX2 are known to be pathogenic (PMID: 12110737, 18765513, 21565790, 24423310, 24735383). This variant is not present in population databases (gnomAD no frequency). This variant has not been reported in the literature in individuals affected with DUOX2-related conditions. For these reasons, this variant has been classified as Pathogenic.

Literature cited by the submitters: PubMed 12110737; PubMed 18765513; PubMed 21565790; PubMed 24423310; PubMed 24735383.